The following is an entry in ClinVar:

NM_014484.5(MOCS3):c.124C>T (p.Arg42Trp)

Gene: MOCS3 (molybdenum cofactor synthesis 3; plus strand). Cytogenetic location: 20q13.13.
Variant type: single nucleotide variant.
Coding change: c.124C>T on transcript NM_014484.5 (MANE Select); coding-DNA position 124, C replaced by T.
Protein change: p.Arg42Trp; replaces arginine 42 with tryptophan.
Molecular consequence: missense variant.
Genome position (GRCh38, 1-based): chr20:50,958,966, C>T. VCF-style: chr20-50958966-C-T. GRCh37 (hg19) VCF-style: chr20-49575503-C-T.
Other names: short protein forms R42W.
Identifiers: ClinVar variation 1904884 (VCV001904884.5), dbSNP rs1987003708, ClinGen allele CA408981862.

ClinVar aggregate classification (germline): Uncertain significance (1 of 4 stars; one submission).

Submission:

Labcorp Genetics (formerly Invitae), Labcorp
Classification: Uncertain significance. Last evaluated: 2022-05-25. Review status: criteria provided, single submitter. Criteria: Invitae Variant Classification Sherloc (09022015). Collection method: clinical testing. Allele origin: germline.
Comment: In summary, the available evidence is currently insufficient to determine the role of this variant in disease. Therefore, it has been classified as a Variant of Uncertain Significance. Algorithms developed to predict the effect of missense changes on protein structure and function (SIFT, PolyPhen-2, Align-GVGD) all suggest that this variant is likely to be tolerated. This variant has not been reported in the literature in individuals affected with MOCS3-related conditions. This variant is not present in population databases (gnomAD no frequency). This sequence change replaces arginine, which is basic and polar, with tryptophan, which is neutral and slightly polar, at codon 42 of the MOCS3 protein (p.Arg42Trp).